The following is an entry in ClinVar:

ClinVar aggregate classification (germline): Pathogenic (1 of 4 stars; one submission).

Conditions:
Multiple congenital exostosis (EXT). Also called: Hereditary multiple osteochondromas; MULTIPLE CARTILAGINOUS EXOSTOSES; Hereditary multiple exostoses; Hereditary multiple exostosis; Multiple osteochondromas; Multiple exostoses. Identifiers: Orphanet 321, MedGen C0015306, MONDO:0005508, HP:0002762.

Submission:

Labcorp Genetics (formerly Invitae), Labcorp
Classification: Pathogenic for Multiple congenital exostosis. Last evaluated: 2024-05-14. Review status: criteria provided, single submitter. Criteria: Invitae Variant Classification Sherloc (09022015). Collection method: clinical testing. Allele origin: germline.
Comment: This sequence change creates a premature translational stop signal (p.Leu570Argfs*53) in the EXT1 gene. It is expected to result in an absent or disrupted protein product. Loss-of-function variants in EXT1 are known to be pathogenic (PMID: 10679937, 11391482, 19810120). This variant is not present in population databases (gnomAD no frequency). This variant has not been reported in the literature in individuals affected with EXT1-related conditions. For these reasons, this variant has been classified as Pathogenic.

Literature cited by the submitters: PubMed 10679937; PubMed 11391482; PubMed 19810120.

NM_000127.3(EXT1):c.1704_1708dup (p.Leu570fs)

Gene: EXT1 (exostosin glycosyltransferase 1; minus strand). Cytogenetic location: 8q24.11.
Variant type: Duplication.
Coding change: c.1704_1708dup on transcript NM_000127.3 (MANE Select); coding-DNA positions 1704 to 1708, 5 bases duplicated (GGTGC; older notation c.1704_1708dupGGTGC).
Protein change: p.Leu570fs; shifts the reading frame from leucine 570.
Molecular consequence: frameshift variant.
Genome position (GRCh38, 1-based): chr8:117,812,886-117,812,890, GCACC duplicated on the plus strand (GGTGC on the coding strand, the reverse complement: EXT1 is on the minus strand); duplicating any 5 consecutive bases within chr8:117,812,886-117,812,891 gives the same sequence; the c. name uses the placement nearest the transcript's 3' end. VCF-style (leftmost placement, unchanged base first): chr8-117812885-A-AGCACC. GRCh37 (hg19) VCF-style: chr8-118825124-A-AGCACC.
Other names: short protein forms L570fs.
Identifiers: ClinVar variation 3653355 (VCV003653355.2).